The following is an entry in ClinVar:

NM_002519.3(NPAT):c.2926C>G (p.Pro976Ala)

Gene: NPAT (nuclear protein, coactivator of histone transcription; minus strand). Cytogenetic location: 11q22.3.
Variant type: single nucleotide variant.
Coding change: c.2926C>G on transcript NM_002519.3 (MANE Select); coding-DNA position 2926, C replaced by G.
Protein change: p.Pro976Ala; replaces proline 976 with alanine.
Molecular consequence: missense variant.
Genome position (GRCh38, 1-based): chr11:108,169,828, G>C on the plus strand (C>G on the coding strand, the complement: NPAT is on the minus strand). VCF-style: chr11-108169828-G-C. GRCh37 (hg19) VCF-style: chr11-108040555-G-C.
Other names: c.2926C>G, p.Pro976Ala (NM_001321307.1); short protein forms P976A.
Identifiers: ClinVar variation 1797749 (VCV001797749.3), dbSNP rs1412190768, ClinGen allele CA382511933.

ClinVar aggregate classification (germline): Uncertain significance (1 of 4 stars; one submission).

Allele frequency attached by ClinVar (database versions not stated): gnomAD 0.00001.

Submission:

Ambry Genetics
Classification: Uncertain significance. Last evaluated: 2024-04-15. Review status: criteria provided, single submitter. Criteria: Ambry Variant Classification Scheme 2023. Collection method: clinical testing. Allele origin: germline.
Comment: The p.P976A variant (also known as c.2926C>G), located in coding exon 15 of the NPAT gene, results from a C to G substitution at nucleotide position 2926. The proline at codon 976 is replaced by alanine, an amino acid with highly similar properties. This amino acid position is conserved. In addition, this alteration is predicted to be tolerated by in silico analysis. Since supporting evidence is limited at this time, the clinical significance of this alteration remains unclear.